The following is an entry in ClinVar:

ClinVar aggregate classification (germline): Likely pathogenic. Review status: criteria provided, multiple submitters, no conflicts (2 of 4 stars). 3 submissions from 3 submitters: Likely pathogenic (2). 1 of the submissions does not count toward it. Last evaluated 2024-05-17.

Conditions:
Southeast Asian ovalocytosis. Also called: Elliptocytosis 4; HE, STOMATOCYTIC; Stomatocytic elliptocytosis, hereditary; Ovalocytosis, Malaysian-Melanesian-Filipino type. Identifiers: Orphanet 98868, MedGen C1862322, MONDO:0008165, OMIM 166900.
BLOOD GROUP--SWANN SYSTEM (SW). Also called: SWANN BLOOD GROUP. Identifiers: MedGen C1832169, OMIM 601550.
BLOOD GROUP--DIEGO SYSTEM (DI). Identifiers: MedGen C1292286, OMIM 110500.
Malaria, susceptibility to. Identifiers: Orphanet 673, MedGen C1970028, MONDO:0021024, OMIM 611162.
Hereditary spherocytosis type 4. Also called: SLC4A1-Related Spherocytosis. Identifiers: Orphanet 822, MedGen C2675212, MONDO:0012981, OMIM 612653.
Cryohydrocytosis. Also called: Hereditary cryohydrocytosis with normal stomatin; CRYOHYDROCYTOSIS DUE TO BAND 3 HEMEL; CRYOHYDROCYTOSIS DUE TO BAND 3 HURSTPIERPOINT; CRYOHYDROCYTOSIS DUE TO BAND 3 BLACKBURN; STOMATOCYTOSIS, COLD-SENSITIVE. Identifiers: Orphanet 398088, MedGen C1861453, MONDO:0008494, OMIM 185020.
Autosomal dominant distal renal tubular acidosis (DRTA1). Also called: RTA, CLASSIC TYPE; RTA, DISTAL TYPE, AUTOSOMAL DOMINANT; RTA, GRADIENT TYPE; RENAL TUBULAR ACIDOSIS, DISTAL, 1; Renal Tubular Acidosis, Type I. Identifiers: Orphanet 93608, MedGen CN280572, MONDO:0008368, OMIM 179800.
Renal tubular acidosis, distal, 4, with hemolytic anemia. Also called: Renal Tubular Acidosis, Distal, with Hemolytic Anemia. Identifiers: Orphanet 93610, MedGen C5436235, MONDO:0012700, OMIM 611590.
BLOOD GROUP, WALDNER (WD). Also called: WALDNER BLOOD GROUP ANTIGEN. Identifiers: MedGen C1862191, OMIM 112010.
BLOOD GROUP--FROESE (FR). Also called: FROESE BLOOD GROUP ANTIGEN. Identifiers: MedGen C1832168, OMIM 601551.
BLOOD GROUP--WRIGHT ANTIGEN (WR). Identifiers: MedGen C1862190, OMIM 112050.
SLC4A1-related disorder. Also called: SLC4A1-related disorders; SLC4A1-related condition.

Submissions (3):

Fulgent Genetics
Classification: Likely pathogenic for BLOOD GROUP--DIEGO SYSTEM; BLOOD GROUP, WALDNER; BLOOD GROUP--WRIGHT ANTIGEN; Southeast Asian ovalocytosis; Autosomal dominant distal renal tubular acidosis; Cryohydrocytosis; BLOOD GROUP--SWANN SYSTEM; BLOOD GROUP--FROESE; Malaria, susceptibility to; Renal tubular acidosis, distal, 4, with hemolytic anemia; Hereditary spherocytosis type 4. Last evaluated: 2024-05-17. Review status: criteria provided, single submitter. Criteria: ACMG Guidelines, 2015. Collection method: clinical testing. Allele origin: germline.

Mayo Clinic Laboratories, Mayo Clinic
Classification: Likely pathogenic. Last evaluated: 2020-04-21. Review status: criteria provided, single submitter. Criteria: ACMG Guidelines, 2015. Collection method: clinical testing. Allele origin: germline. Observed: 1 variant allele.
Comment: PVS1, PM2

PreventionGenetics, part of Exact Sciences
Classification: Pathogenic for SLC4A1-related condition. Last evaluated: 2024-08-16. Review status: no assertion criteria provided. Collection method: clinical testing. Allele origin: germline. Not counted in ClinVar's aggregate classification.
Comment: The SLC4A1 c.2260C>T variant is predicted to result in premature protein termination (p.Gln754*). To our knowledge, this variant has not been reported in the literature or in a large population database, indicating this variant is rare. Nonsense variants in SLC4A1 are expected to be pathogenic. This variant is interpreted as pathogenic.

NM_000342.4(SLC4A1):c.2260C>T (p.Gln754Ter)

Gene: SLC4A1 (solute carrier family 4 member 1 (Diego blood group); minus strand). Cytogenetic location: 17q21.31.
Variant type: single nucleotide variant.
Coding change: c.2260C>T on transcript NM_000342.4 (MANE Select); coding-DNA position 2260, C replaced by T.
Protein change: p.Gln754Ter; replaces glutamine 754 with a stop codon.
Molecular consequence: nonsense.
Genome position (GRCh38, 1-based): chr17:44,253,169, G>A on the plus strand (C>T on the coding strand, the complement: SLC4A1 is on the minus strand). VCF-style: chr17-44253169-G-A. GRCh37 (hg19) VCF-style: chr17-42330537-G-A.
Other names: short protein forms Q754*.
Identifiers: ClinVar variation 1163104 (VCV001163104.7), dbSNP rs2144601189, ClinGen allele CA399781483.
Genomic context (GRCh38, chr17:44,253,169, plus strand): 5'-TTCACTCACCCACAAGCACAGCGACCAGGAGTCCACTGATCCGCTGCTCTTTGACCTCCT[G>A]GATCTGGGCTGCAGCCCCTGGGGTGCTGGCTTTGCCCATGACAGTGAGGGCGTTGGCATG-3'